The following is an entry in ClinVar:

NM_000372.5(TYR):c.1046G>C (p.Ser349Thr)

Gene: TYR (tyrosinase; plus strand). Cytogenetic location: 11q14.3.
Variant type: single nucleotide variant.
Coding change: c.1046G>C on transcript NM_000372.5 (MANE Select); coding-DNA position 1046, G replaced by C.
Protein change: p.Ser349Thr; replaces serine 349 with threonine.
Molecular consequence: missense variant.
Genome position (GRCh38, 1-based): chr11:89,227,832, G>C. VCF-style: chr11-89227832-G-C. GRCh37 (hg19) VCF-style: chr11-88961000-G-C.
Other names: c.1046G>C (NM_000372.4); short protein forms S349T.
Identifiers: ClinVar variation 1362478 (VCV001362478.11), dbSNP rs1010038586, ClinGen allele CA226306214.
Genomic context (GRCh38, chr11:89,227,832, plus strand): 5'-TTTTCAGTCATTAAAGTAAACATATTTTTTTCATTTTTTTTTAATGAACAGGATTTGCTA[G>C]TCCACTTACTGGGATAGCGGATGCCTCTCAAAGCAGCATGCACAATGCCTTGCACATCTA-3'
Protein context (NP_000363.1, residues 339-359): SFRNTLEGFA[Ser349Thr]PLTGIADASQ

ClinVar aggregate classification (germline): Conflicting classifications of pathogenicity. Review status: criteria provided, conflicting classifications (1 of 4 stars). 5 submissions from 5 submitters: Likely pathogenic (3); Uncertain significance (2). Last evaluated 2026-08-05.

Conditions:
Inborn genetic diseases. Identifiers: MedGen C0950123, MeSH D030342.
TYR-related disorder. Also called: TYR-related condition.

Allele frequency attached by ClinVar (database versions not stated): gnomAD 0.00002; gnomAD exomes 0.00002; TOPMed 0.00002.
gnomAD v4.1: 17 of 1,612,492 alleles (0.0011%); highest among the groups gnomAD compares: Non-Finnish European, 0.0014%; no homozygotes.

Submissions (5):

PreventionGenetics, part of Exact Sciences
Classification: Likely pathogenic for TYR-related condition. Last evaluated: 2026-08-05. Review status: criteria provided, single submitter. Criteria: ACMG Guidelines, 2015. Collection method: clinical testing. Allele origin: germline.
Comment: The TYR c.1046G>C variant is predicted to result in the amino acid substitution p.Ser349Thr. This variant has been reported in the compound heterozygous state in an individual with oculocutaneous albinism (Michel et al. 2025. PubMed ID: 41100445). At PreventionGenetics, we have observed this variant along with a second causative variant in several individuals affected by hypopigmentation (internal data); in each of these cases it appears that this variant was also in cis with the common variant c.1205G>A (p.Arg402Gln). This variant is present in 0.0039% of alleles in individuals of European (Non-Finnish) descent in gnomAD. Given the evidence, we interpret this variant as likely pathogenic.

Labcorp Genetics (formerly Invitae), Labcorp
Classification: Likely pathogenic. Last evaluated: 2025-12-15. Review status: criteria provided, single submitter. Criteria: Invitae Variant Classification Sherloc (09022015). Collection method: clinical testing. Allele origin: germline.
Comment: This sequence change replaces serine, which is neutral and polar, with threonine, which is neutral and polar, at codon 349 of the TYR protein (p.Ser349Thr). This variant is present in population databases (no rsID available, gnomAD 0.003%). This missense change has been observed in individual(s) with oculocutaneous albinism (internal data). In at least one individual the data is consistent with being in trans (on the opposite chromosome) from a pathogenic variant. ClinVar contains an entry for this variant (Variation ID: 1362478). Invitae Evidence Modeling of protein sequence and biophysical properties (such as structural, functional, and spatial information, amino acid conservation, physicochemical variation, residue mobility, and thermodynamic stability) has been performed for this missense variant. However, the output from this modeling did not meet the statistical confidence thresholds required to predict the impact of this variant on TYR protein function. In summary, the currently available evidence indicates that the variant is pathogenic, but additional data are needed to prove that conclusively. Therefore, this variant has been classified as Likely Pathogenic.

Ambry Genetics
Classification: Uncertain significance for Inborn genetic diseases. Last evaluated: 2025-07-04. Review status: criteria provided, single submitter. Criteria: Ambry Variant Classification Scheme 2023. Collection method: clinical testing. Allele origin: germline.

Blueprint Genetics
Classification: Likely pathogenic for TYR-related disorders. Last evaluated: 2023-12-28. Review status: criteria provided, single submitter. Criteria: ACMG Guidelines, 2015. Collection method: clinical testing. Allele origin: germline. Affected: yes. Observed: 5 variant alleles.

GeneDx
Classification: Uncertain significance. Last evaluated: 2023-04-26. Review status: criteria provided, single submitter. Criteria: GeneDx Variant Classification Process June 2021. Collection method: clinical testing. Allele origin: germline. Affected: yes.
Comment: In silico analysis supports that this missense variant does not alter protein structure/function; Has not been previously published as pathogenic or benign to our knowledge